The following is an entry in ClinVar:

NM_001330311.2(DVL1):c.1753G>A (p.Ala585Thr)

Gene: DVL1 (dishevelled segment polarity protein 1; minus strand). Cytogenetic location: 1p36.33.
Variant type: single nucleotide variant.
Coding change: c.1753G>A on transcript NM_001330311.2 (MANE Select); coding-DNA position 1753, G replaced by A.
Protein change: p.Ala585Thr; replaces alanine 585 with threonine.
Molecular consequence: missense variant.
Genome position (GRCh38, 1-based): chr1:1,336,477, C>T on the plus strand (G>A on the coding strand, the complement: DVL1 is on the minus strand). VCF-style: chr1-1336477-C-T. GRCh37 (hg19) VCF-style: chr1-1271857-C-T.
Other names: c.1678G>A, p.Ala560Thr (NM_004421.3); short protein forms A560T, A585T.
Identifiers: ClinVar variation 1402258 (VCV001402258.8), dbSNP rs2100704503, ClinGen allele CA337857083.
Genomic context (GRCh38, chr1:1,336,477, plus strand): 5'-CCGATTCACTGCCACTGCCCCCAGCTCCCGCCGCCCGACGCTCCTTCTCACGGCCCGGGG[C>T]CCGGCGGCTGCTCCGGGTGGACCCACTGCTTTTGCTCCCTGGGAGTGAGAACAGGATGGG-3'
Protein context (NP_001317240.1, residues 575-595): SSGSTRSSRR[Ala585Thr]PGREKERRAA

ClinVar aggregate classification (germline): Uncertain significance (1 of 4 stars; one submission).

Submission:

Labcorp Genetics (formerly Invitae), Labcorp
Classification: Uncertain significance. Last evaluated: 2022-07-06. Review status: criteria provided, single submitter. Criteria: Invitae Variant Classification Sherloc (09022015). Collection method: clinical testing. Allele origin: germline.
Comment: In summary, the available evidence is currently insufficient to determine the role of this variant in disease. Therefore, it has been classified as a Variant of Uncertain Significance. Algorithms developed to predict the effect of missense changes on protein structure and function output the following: SIFT: "Tolerated"; PolyPhen-2: "Not Available"; Align-GVGD: "Class C0". The threonine amino acid residue is found in multiple mammalian species, which suggests that this missense change does not adversely affect protein function. ClinVar contains an entry for this variant (Variation ID: 1402258). This missense change has been observed in individual(s) with clinical features of Robinow syndrome (Invitae). This variant is not present in population databases (gnomAD no frequency). This sequence change replaces alanine, which is neutral and non-polar, with threonine, which is neutral and polar, at codon 560 of the DVL1 protein (p.Ala560Thr).